The following is an entry in ClinVar:

NM_018082.6(POLR3B):c.1875A>T (p.Leu625Phe)

Gene: POLR3B (RNA polymerase III subunit B; plus strand). Cytogenetic location: 12q23.3.
Variant type: single nucleotide variant.
Coding change: c.1875A>T on transcript NM_018082.6 (MANE Select); coding-DNA position 1875, A replaced by T.
Protein change: p.Leu625Phe; replaces leucine 625 with phenylalanine.
Molecular consequence: missense variant.
Genome position (GRCh38, 1-based): chr12:106,437,699, A>T. VCF-style: chr12-106437699-A-T. GRCh37 (hg19) VCF-style: chr12-106831477-A-T.
Other names: c.1701A>T, p.Leu567Phe (NM_001160708.2); short protein forms L567F, L625F.
Identifiers: ClinVar variation 3695496 (VCV003695496.2).

ClinVar aggregate classification (germline): Uncertain significance (1 of 4 stars; one submission).

gnomAD v4.1: 6 of 1,595,858 alleles (0.00038%); highest among the groups gnomAD compares: Non-Finnish European, 0.00052%; no homozygotes.

Submission:

Labcorp Genetics (formerly Invitae), Labcorp
Classification: Uncertain significance. Last evaluated: 2024-02-29. Review status: criteria provided, single submitter. Criteria: Invitae Variant Classification Sherloc (09022015). Collection method: clinical testing. Allele origin: germline.
Comment: This sequence change replaces leucine, which is neutral and non-polar, with phenylalanine, which is neutral and non-polar, at codon 625 of the POLR3B protein (p.Leu625Phe). This variant is present in population databases (no rsID available, gnomAD 0.0009%). This variant has not been reported in the literature in individuals affected with POLR3B-related conditions. Advanced modeling of protein sequence and biophysical properties (such as structural, functional, and spatial information, amino acid conservation, physicochemical variation, residue mobility, and thermodynamic stability) performed at Invitae indicates that this missense variant is not expected to disrupt POLR3B protein function with a negative predictive value of 80%. In summary, the available evidence is currently insufficient to determine the role of this variant in disease. Therefore, it has been classified as a Variant of Uncertain Significance.